The following is an entry in ClinVar:

NM_025114.4(CEP290):c.7416T>A (p.Ser2472Arg)

Genes: CEP290 (centrosomal protein 290; minus strand), RLIG1 (RNA 5'-phosphate and 3'-OH ligase 1; plus strand). Cytogenetic location: 12q21.32.
Variant type: single nucleotide variant.
Coding change: c.7416T>A on transcript NM_025114.4 (MANE Select); coding-DNA position 7416, T replaced by A.
Protein change: p.Ser2472Arg; replaces serine 2472 with arginine.
Molecular consequence: missense variant. On other transcripts: 3 prime UTR variant (1).
Genome position (GRCh38, 1-based): chr12:88,049,208, A>T on the plus strand (T>A on the coding strand, the complement: CEP290 is on the minus strand). VCF-style: chr12-88049208-A-T. GRCh37 (hg19) VCF-style: chr12-88442985-A-T.
Other names: c.*786A>T (NM_001009894.3); short protein forms S2472R.
Identifiers: ClinVar variation 197973 (VCV000197973.13), dbSNP rs794727762, ClinGen allele CA246397.

ClinVar aggregate classification (germline): Uncertain significance. Review status: criteria provided, multiple submitters, no conflicts (2 of 4 stars). 4 submissions from 4 submitters: Uncertain significance (3). 1 of the submissions does not count toward it. Last evaluated 2024-01-09.

Conditions:
CEP290-related disorder. Also called: CEP290-related condition; CEP290-related disorders. Identifiers: MedGen CN239314.
Leber congenital amaurosis 10 (LCA10). Identifiers: Orphanet 65, MedGen C1857821, MONDO:0012723, OMIM 611755.
Meckel syndrome, type 4 (MKS4). Also called: MECKEL-GRUBER SYNDROME, TYPE 4. Identifiers: Orphanet 564, MedGen C1970161, MONDO:0012626, OMIM 611134.
Bardet-Biedl syndrome 14 (BBS14). Identifiers: Orphanet 110, MedGen C2673874, MONDO:0014442, OMIM 615991.
Senior-Loken syndrome 6 (SLSN6). Identifiers: Orphanet 3156, MedGen C1857779, MONDO:0012433, OMIM 610189.
Joubert syndrome 5 (JBTS5). Identifiers: Orphanet 2318, MedGen C1857780, MONDO:0012432, OMIM 610188.
Meckel-Gruber syndrome. Also called: DYSENCEPHALIA SPLANCHNOCYSTICA; GRUBER SYNDROME; Dysencephalia splachnocystica. Identifiers: Orphanet 564, MedGen C0265215, MONDO:0018921.
Joubert syndrome. Also called: CEREBELLOPARENCHYMAL DISORDER IV; JOUBERT-BOLTSHAUSER SYNDROME; Familial aplasia of the vermis. Identifiers: Orphanet 475, MedGen C5979921, MONDO:0018772.
Nephronophthisis. Also called: Juvenile Nephronophthisis. Identifiers: Orphanet 655, MedGen C0687120, MONDO:0019005, HP:0000090.

Allele frequency attached by ClinVar (database versions not stated): gnomAD 0.00001; TOPMed 0.00001.

Submissions (4):

Fulgent Genetics
Classification: Uncertain significance for Joubert syndrome 5; Senior-Loken syndrome 6; Meckel syndrome, type 4; Leber congenital amaurosis 10; Bardet-Biedl syndrome 14. Last evaluated: 2024-01-09. Review status: criteria provided, single submitter. Criteria: ACMG Guidelines, 2015. Collection method: clinical testing. Allele origin: germline.

Labcorp Genetics (formerly Invitae), Labcorp
Classification: Uncertain significance for Joubert syndrome; Meckel-Gruber syndrome; Nephronophthisis. Last evaluated: 2022-08-23. Review status: criteria provided, single submitter. Criteria: Invitae Variant Classification Sherloc (09022015). Collection method: clinical testing. Allele origin: germline.
Comment: This sequence change replaces serine, which is neutral and polar, with arginine, which is basic and polar, at codon 2472 of the CEP290 protein (p.Ser2472Arg). This variant is present in population databases (rs794727762, gnomAD 0.01%). This variant has not been reported in the literature in individuals affected with CEP290-related conditions. ClinVar contains an entry for this variant (Variation ID: 197973). Algorithms developed to predict the effect of missense changes on protein structure and function are either unavailable or do not agree on the potential impact of this missense change (SIFT: "Deleterious"; PolyPhen-2: "Possibly Damaging"; Align-GVGD: "Class C0"). In summary, the available evidence is currently insufficient to determine the role of this variant in disease. Therefore, it has been classified as a Variant of Uncertain Significance.

Eurofins Ntd Llc (ga)
Classification: Uncertain significance. Last evaluated: 2015-04-22. Review status: criteria provided, single submitter. Criteria: EGL Classification Definitions 2015. Collection method: clinical testing. Allele origin: germline. Observed: 1 variant allele, 1 heterozygote.

PreventionGenetics, part of Exact Sciences
Classification: Uncertain significance for CEP290-related condition. Last evaluated: 2024-07-17. Review status: no assertion criteria provided. Collection method: clinical testing. Allele origin: germline. Not counted in ClinVar's aggregate classification.
Comment: The CEP290 c.7416T>A variant is predicted to result in the amino acid substitution p.Ser2472Arg. To our knowledge, this variant has not been reported in the literature. This variant is reported in 0.011% of alleles in individuals of African descent in gnomAD. At this time, the clinical significance of this variant is uncertain due to the absence of conclusive functional and genetic evidence.